The following is an entry in ClinVar:

NM_003482.4(KMT2D):c.11886A>G (p.Gln3962=)

Gene: KMT2D (lysine methyltransferase 2D; minus strand). Cytogenetic location: 12q13.12.
Variant type: single nucleotide variant.
Coding change: c.11886A>G on transcript NM_003482.4 (MANE Select); coding-DNA position 11886, A replaced by G.
Protein change: p.Gln3962=; no amino-acid change (glutamine 3962 retained).
Molecular consequence: synonymous variant.
Genome position (GRCh38, 1-based): chr12:49,032,819, T>C on the plus strand (A>G on the coding strand, the complement: KMT2D is on the minus strand). VCF-style: chr12-49032819-T-C. GRCh37 (hg19) VCF-style: chr12-49426602-T-C.
Identifiers: ClinVar variation 158720 (VCV000158720.42), dbSNP rs180784366, ClinGen allele CA271575.
Genomic context (GRCh38, chr12:49,032,819, plus strand): 5'-TCGACTCTGGTTTAAAAGGCCCATCTGCTGCTGTTGCTGCTGCTGTTGAAACTGCTGCTG[T>C]TGTTGTTGCTGTTGCTGTTGTAGCTGCTGTTGCTGCTGTTGAAGCTGTTGCTGCTGCTGT-3'
Protein context (NP_003473.3, residues 3952-3972): QQQLQQQQQQ[Gln3962=]QQQFQQQQQQ

ClinVar aggregate classification (germline): Conflicting classifications of pathogenicity. Review status: criteria provided, conflicting classifications (1 of 4 stars). 6 submissions from 6 submitters: Uncertain significance (1); Benign (1); Likely benign (3). 1 of the submissions does not count toward it. Last evaluated 2026-08-01.

Conditions:
KMT2D-related disorder. Also called: KMT2D-Related Disorders.
Kabuki syndrome. Also called: NIIKAWA-KUROKI SYNDROME; Kabuki make-up syndrome. Identifiers: Orphanet 2322, MedGen C0796004, MONDO:0016512.
Kabuki syndrome 1 (KABUK1). Also called: KMT2D-Related Kabuki Syndrome. Identifiers: Orphanet 2322, MedGen CN030661, MONDO:0007843, OMIM 147920.

Allele frequency attached by ClinVar (database versions not stated): gnomAD exomes 0.00012 and 0.00030; ExAC 0.00038; TOPMed 0.00053; gnomAD 0.00055 and 0.00056; 1000 Genomes Project 0.00080.
gnomAD v4.1: 259 of 1,550,786 alleles (0.017%); highest among the groups gnomAD compares: African/African-American, 0.16%; no homozygotes.

Submissions (6):

CeGaT Center for Human Genetics Tuebingen
Classification: Likely benign. Last evaluated: 2026-08-01. Review status: criteria provided, single submitter. Criteria: CeGaT Center For Human Genetics Tuebingen Variant Classification Criteria Version 2. Collection method: clinical testing. Allele origin: germline. Affected: yes. Observed: 3 variant alleles.
Comment: KMT2D: BP4, BP7, BS1

Labcorp Genetics (formerly Invitae), Labcorp
Classification: Likely benign for Kabuki syndrome. Last evaluated: 2026-01-17. Review status: criteria provided, single submitter. Criteria: Invitae Variant Classification Sherloc (09022015). Collection method: clinical testing. Allele origin: germline.

Blueprint Genetics
Classification: Likely benign. Last evaluated: 2023-08-24. Review status: criteria provided, single submitter. Criteria: ACMG Guidelines, 2015. Collection method: clinical testing. Allele origin: germline.

GeneDx
Classification: Benign. Last evaluated: 2020-02-18. Review status: criteria provided, single submitter. Criteria: GeneDx Variant Classification Process June 2021. Collection method: clinical testing. Allele origin: germline. Affected: yes.

Genetic Services Laboratory, University of Chicago
Classification: Uncertain significance for Kabuki syndrome 1. Last evaluated: 2013-11-27. Review status: criteria provided, single submitter. Criteria: ACMG Guidelines, 2007. Collection method: clinical testing. Allele origin: germline. Inheritance: Autosomal dominant inheritance.

PreventionGenetics, part of Exact Sciences
Classification: Likely benign for KMT2D-related condition. Last evaluated: 2019-03-25. Review status: no assertion criteria provided. Collection method: clinical testing. Allele origin: germline. Not counted in ClinVar's aggregate classification.
Comment: This variant is classified as likely benign based on ACMG/AMP sequence variant interpretation guidelines (Richards et al. 2015 PMID: 25741868, with internal and published modifications).